The following is an entry in ClinVar:

NM_001242.5(CD27):c.616G>C (p.Ala206Pro)

Genes: CD27 (CD27 molecule; plus strand), CD27-AS1 (CD27 antisense RNA 1; minus strand), LOC130007242 (ATAC-STARR-seq lymphoblastoid active region 5859; plus strand). Cytogenetic location: 12p13.31.
Variant type: single nucleotide variant.
Coding change: c.616G>C on transcript NM_001242.5 (MANE Select); coding-DNA position 616, G replaced by C.
Protein change: p.Ala206Pro; replaces alanine 206 with proline.
Molecular consequence: missense variant. On other transcripts: non-coding transcript variant (5).
Genome position (GRCh38, 1-based): chr12:6,450,972, G>C. VCF-style: chr12-6450972-G-C. GRCh37 (hg19) VCF-style: chr12-6560138-G-C.
Other names: c.709G>C, p.Ala237Pro (NM_001413263.1); c.589G>C, p.Ala197Pro (NM_001413264.1); c.436G>C, p.Ala146Pro (NM_001413265.1); c.166G>C, p.Ala56Pro (NM_001413266.1, NM_001413267.1, NM_001413268.1); short protein forms A146P, A197P, A206P, A237P, A56P.
Identifiers: ClinVar variation 3649115 (VCV003649115.2).
Genomic context (GRCh38, chr12:6,450,972, plus strand): 5'-AGCTCCGATTTTATTCGCATCCTTGTGATCTTCTCTGGAATGTTCCTTGTTTTCACCCTG[G>C]CCGGGGCCCTGTTCCTCCATCAACGAAGGAAATATAGATCAAGTAAGAGACAGAACACAG-3'
Protein context (NP_001233.2, residues 196-216): FSGMFLVFTL[Ala206Pro]GALFLHQRRK

ClinVar aggregate classification (germline): Uncertain significance (1 of 4 stars; one submission).

Conditions:
Lymphoproliferative syndrome 2 (LPFS2). Also called: Combined immunodeficiency due to CD27 deficiency; CD27 DEFICIENCY. Identifiers: Orphanet 238505, MedGen C3554540, MONDO:0014054, OMIM 615122.

Submission:

Labcorp Genetics (formerly Invitae), Labcorp
Classification: Uncertain significance for Lymphoproliferative syndrome 2. Last evaluated: 2024-12-20. Review status: criteria provided, single submitter. Criteria: Invitae Variant Classification Sherloc (09022015). Collection method: clinical testing. Allele origin: germline.
Comment: This sequence change replaces alanine, which is neutral and non-polar, with proline, which is neutral and non-polar, at codon 206 of the CD27 protein (p.Ala206Pro). This variant is not present in population databases (gnomAD no frequency). This variant has not been reported in the literature in individuals affected with CD27-related conditions. Invitae Evidence Modeling of protein sequence and biophysical properties (such as structural, functional, and spatial information, amino acid conservation, physicochemical variation, residue mobility, and thermodynamic stability) indicates that this missense variant is not expected to disrupt CD27 protein function with a negative predictive value of 80%. In summary, the available evidence is currently insufficient to determine the role of this variant in disease. Therefore, it has been classified as a Variant of Uncertain Significance.